The following is an entry in ClinVar:

NM_013286.5(RBM15B):c.723A>G (p.Pro241=)

Gene: RBM15B (RNA binding motif protein 15B; plus strand). Cytogenetic location: 3p21.2.
Variant type: single nucleotide variant.
Coding change: c.723A>G on transcript NM_013286.5 (MANE Select); coding-DNA position 723, A replaced by G.
Protein change: p.Pro241=; no amino-acid change (proline 241 retained).
Molecular consequence: synonymous variant.
Genome position (GRCh38, 1-based): chr3:51,392,122, A>G. VCF-style: chr3-51392122-A-G. GRCh37 (hg19) VCF-style: chr3-51429553-A-G.
Identifiers: ClinVar variation 2653870 (VCV002653870.24), dbSNP rs577320510, ClinGen allele CA2422454.
Genomic context (GRCh38, chr3:51,392,122, plus strand): 5'-CGGCGGCGGGAGCAGTCGGCGAAGTAGCAGCAGCAGCGCCGCCGCTTCCACGCCTCCCCC[A>G]GGGCCGCCCGCGCCCGCCGACCCGCTCGGCTACCTCCCGCTACACGGAGGCTACCAGTAC-3'
Protein context (NP_037418.3, residues 231-251): SSSAAASTPP[Pro241=]GPPAPADPLG

ClinVar aggregate classification (germline): Likely benign (1 of 4 stars; one submission).

Allele frequency attached by ClinVar (database versions not stated): 1000 Genomes Project 0.00060; 1000 Genomes Project 30x 0.00078; gnomAD exomes 0.00104; gnomAD 0.00113; TOPMed 0.00133; ExAC 0.00320.
gnomAD v4.1: 1,648 of 1,538,078 alleles (0.11%); highest among the groups gnomAD compares: Middle Eastern, 0.99%; 11 homozygotes.

Submission:

CeGaT Center for Human Genetics Tuebingen
Classification: Likely benign. Last evaluated: 2022-07-01. Review status: criteria provided, single submitter. Criteria: CeGaT Center For Human Genetics Tuebingen Variant Classification Criteria Version 2. Collection method: clinical testing. Allele origin: germline. Affected: yes. Observed: 1 variant allele.
Comment: RBM15B: BP4, BP7